The following is an entry in ClinVar:

NM_007194.4(CHEK2):c.908+1G>A

Gene: CHEK2 (checkpoint kinase 2; minus strand). Cytogenetic location: 22q12.1.
Variant type: single nucleotide variant.
Coding change: c.908+1G>A on transcript NM_007194.4 (MANE Select); the canonical splice donor site of the intron after coding-DNA position 908, G replaced by A.
Molecular consequence: splice donor variant.
Genome position (GRCh38, 1-based): chr22:28,703,504, C>T on the plus strand (G>A on the coding strand, the complement: CHEK2 is on the minus strand). VCF-style: chr22-28703504-C-T. GRCh37 (hg19) VCF-style: chr22-29099492-C-T.
Other names: c.245+1G>A (NM_001437942.1, NM_001257387.3); c.707+1G>A (NM_001349956.3); c.908+1G>A (NM_145862.3); c.1001+1G>A (NM_001438295.1, NM_001438293.1); c.1037+1G>A (NM_001438294.1, NM_001005735.3).
Identifiers: ClinVar variation 141374 (VCV000141374.23), dbSNP rs587781699, ClinGen allele CA165257.

ClinVar aggregate classification (germline): Likely pathogenic. Review status: criteria provided, multiple submitters, no conflicts (2 of 4 stars). 5 submissions from 5 submitters: Likely pathogenic (5). Last evaluated 2025-10-23.

Conditions:
Hereditary cancer-predisposing syndrome. Also called: Neoplastic Syndromes, Hereditary; Tumor predisposition; Hereditary Cancer Syndrome; Hereditary neoplastic syndrome. Identifiers: Orphanet 140162, MedGen C0027672, MeSH D009386, MONDO:0015356.
Familial cancer of breast. Also called: BREAST CANCER, FAMILIAL; Hereditary breast cancer; hereditary breast carcinoma. Identifiers: Orphanet 227535, MedGen C0346153, MONDO:0016419, OMIM 114480. Disease mechanism: loss of function.

gnomAD v4.1: 5 of 1,413,272 alleles (0.00035%); highest among the groups gnomAD compares: Non-Finnish European, 0.0005%; no homozygotes.

Submissions (5):

Labcorp Genetics (formerly Invitae), Labcorp
Classification: Likely pathogenic for Familial cancer of breast. Last evaluated: 2025-10-23. Review status: criteria provided, single submitter. Criteria: Invitae Variant Classification Sherloc (09022015). Collection method: clinical testing. Allele origin: germline.
Comment: This sequence change affects a donor splice site in intron 8 of the CHEK2 gene. RNA analysis indicates that disruption of this splice site induces altered splicing and may result in an absent or altered protein product. This variant is not present in population databases (gnomAD no frequency). Disruption of this splice site has been observed in individual(s) with prostate cancer (PMID: 31214711, 32832836). ClinVar contains an entry for this variant (Variation ID: 141374). Studies have shown that disruption of this splice site results in skipping of exon 8, and produces a non-functional protein and/or introduces a premature termination codon (internal data). In summary, the currently available evidence indicates that the variant is pathogenic, but additional data are needed to prove that conclusively. Therefore, this variant has been classified as Likely Pathogenic.

Ambry Genetics
Classification: Likely pathogenic for Hereditary cancer-predisposing syndrome. Last evaluated: 2025-06-20. Review status: criteria provided, single submitter. Criteria: Ambry Variant Classification Scheme 2023. Collection method: clinical testing. Allele origin: germline.
Comment: The c.908+1G>A intronic variant results from a G to A substitution one nucleotide after coding exon 7 of the CHEK2 gene. This variant has been reported in three individuals undergoing multi-gene panel testing (Leedom TP et al. Cancer Genet, 2016 09;209:403-407). This variant is considered to be rare based on population cohorts in the Genome Aggregation Database (gnomAD). This nucleotide position is highly conserved in available vertebrate species. In silico splice site analysis predicts that this alteration will weaken the native splice donor site, and RNA studies have demonstrated that this alteration results in abnormal splicing in the set of samples tested (Ambry internal data). Alterations that disrupt the canonical splice site are expected to cause aberrant splicing, resulting in an abnormal protein or a transcript that is subject to nonsense-mediated mRNA decay. As such, this alteration is classified as likely pathogenic.

Myriad Genetics, Inc.
Classification: Likely pathogenic for Familial cancer of breast. Last evaluated: 2023-06-27. Review status: criteria provided, single submitter. Criteria: Myriad Autosomal Dominant, Autosomal Recessive and X-Linked Classification Criteria (2023). Collection method: clinical testing. Allele origin: unknown.
Comment: This variant is considered likely pathogenic. This variant occurs within a consensus splice junction and is predicted to result in abnormal mRNA splicing of either an out-of-frame exon or an in-frame exon necessary for protein stability and/or normal function.

Color Diagnostics, LLC DBA Color Health
Classification: Likely pathogenic for Hereditary cancer-predisposing syndrome. Last evaluated: 2020-09-22. Review status: criteria provided, single submitter. Criteria: ACMG Guidelines, 2015. Collection method: clinical testing. Allele origin: germline.
Comment: This variant causes a G to A nucleotide substitution at the +1 position of intron 8 of the CHEK2 gene. Splice site prediction tools predict that this variant may have a significant impact on RNA splicing. To our knowledge, functional studies have not been reported for this variant. This variant has been reported in three individuals who underwent cancer genetic testing (PMID: 27751358). At least two other canonical splice site variants at the intron 8 splice donor site have been reported in individuals affected with breast cancer (PMID: 31742824 and an online resource). This variant has not been identified in the general population by the Genome Aggregation Database (gnomAD). Loss of CHEK2 function is a known mechanism of disease. Based on the available evidence, this variant is classified as Likely Pathogenic.

GeneDx
Classification: Likely pathogenic. Last evaluated: 2019-10-01. Review status: criteria provided, single submitter. Criteria: GeneDx Variant Classification Process June 2021. Collection method: clinical testing. Allele origin: germline. Affected: yes.
Comment: Canonical splice site variant in a gene for which loss-of-function is a known mechanism of disease; No data available from control populations to assess the frequency of this variant; Observed in individuals undergoing multi-gene panel testing for hereditary cancer risk (Leedom 2016); This variant is associated with the following publications: (PMID: 27751358, 28152038, 31214711)

Literature cited by the submitters: PubMed 31214711 (cited by Labcorp Genetics (formerly Invitae), Labcorp); PubMed 32832836 (cited by Labcorp Genetics (formerly Invitae), Labcorp); PubMed 27751358 (cited by Ambry Genetics).